The following is an entry in ClinVar:

ClinVar aggregate classification (germline): Likely pathogenic (1 of 4 stars; one submission).

Conditions:
Hereditary spastic paraplegia 8 (SPG8). Also called: SPASTIC PARAPLEGIA 8, AUTOSOMAL DOMINANT. Identifiers: Orphanet 100989, MedGen C1863704, MONDO:0011339, OMIM 603563.
Ritscher-Schinzel syndrome. Also called: CRANIOCEREBELLOCARDIAC DYSPLASIA. Identifiers: Orphanet 7, MedGen C0796137, MONDO:0019078.

Submission:

Labcorp Genetics (formerly Invitae), Labcorp
Classification: Likely pathogenic for Ritscher-Schinzel syndrome; Hereditary spastic paraplegia 8. Last evaluated: 2014-08-26. Review status: criteria provided, single submitter. Criteria: Invitae Variant Classification Sherloc (09022015). Collection method: clinical testing. Allele origin: germline.
Comment: This gross deletion is predicted to eliminate the initiator methionine and the first 427 amino acids of the KIAA0196 protein (p.Met1_Met427del). A missense change in exon 6 (p.Ile226Thr) and an in-frame gross deletion encompassing exons 11-16 have been reported in families with hereditary spastic paraplegia (PMID:¬†23881105,¬†24451228). ¬†For these reasons, this exon 2-10 deletion has been classified as Likely Pathogenic. This sequence change is a gross deletion of the genomic region encompassing exons 2-10 of the KIAA0196 gene. ¬†Exon 1 of this gene is non-coding and the initiator methionine for the KIAA0196 mRNA is located within exon 2. ¬†This deletion extends to the edge of the assayed region, and the 5' boundary of this event is not known.

NC_000008.10:g.(?_126079753)_(126096155_?)del

Gene: WASHC5 (WASH complex subunit 5; minus strand). Cytogenetic location: 8q24.13.
Variant type: Deletion.
Identifiers: ClinVar variation 1067377 (VCV001067377.7).